The following is an entry in ClinVar:

ClinVar aggregate classification (germline): Uncertain significance (1 of 4 stars; one submission).

Conditions:
Carney complex - trismus - pseudocamptodactyly syndrome. Identifiers: Orphanet 319340, MedGen C1837245, MONDO:0012137, OMIM 608837.

Allele frequency attached by ClinVar (database versions not stated): gnomAD below 0.00001 and 0.00003; ESP Exome Variant Server 0.00008; 1000 Genomes Project 30x 0.00031; 1000 Genomes Project 0.00040.
gnomAD v4.1: 78 of 1,614,230 alleles (0.0048%); highest among the groups gnomAD compares: South Asian, 0.069%; no homozygotes.

Submission:

Centre for Mendelian Genomics, University Medical Centre Ljubljana
Classification: Uncertain significance for Carney complex - trismus - pseudocamptodactyly syndrome. Last evaluated: 2019-11-22. Review status: criteria provided, single submitter. Criteria: ACMG Guidelines, 2015. Collection method: clinical testing. Allele origin: unknown. Affected: yes.
Comment: This variant was classified as: Uncertain significance. The available evidence favors the pathogenic nature of this variant, however the currently available data is insufficient to conclusively support its pathogenic nature. Thus this variant is classified as Uncertain significance - favor pathogenic. The following ACMG criteria were applied in classifying this variant: PM2,PP3.

NM_002472.3(MYH8):c.1640C>T (p.Thr547Met)

Genes: MYH8 (myosin heavy chain 8; minus strand), MYHAS (myosin heavy chain gene cluster antisense RNA; plus strand). Cytogenetic location: 17p13.1.
Variant type: single nucleotide variant.
Coding change: c.1640C>T on transcript NM_002472.3 (MANE Select); coding-DNA position 1640, C replaced by T.
Protein change: p.Thr547Met; replaces threonine 547 with methionine.
Molecular consequence: missense variant.
Genome position (GRCh38, 1-based): chr17:10,409,536, G>A on the plus strand (C>T on the coding strand, the complement: MYH8 is on the minus strand). VCF-style: chr17-10409536-G-A. GRCh37 (hg19) VCF-style: chr17-10312853-G-A.
Other names: short protein forms T547M.
Identifiers: ClinVar variation 931774 (VCV000931774.3), dbSNP rs149040691, ClinGen allele CA8388010.
Genomic context (GRCh38, chr17:10,409,536, plus strand): 5'-TGGAAGTTGGCAGACTTGCCCAGGTGCTGGTCATACAGCTTGTTCTTGAAGGAGGTGTCC[G>A]TTGCCTTAGGGAACATGCACTCCTCTTCCAGGATGGAGAAGATGCCCAGTGGCTGAATTC-3'
Protein context (NP_002463.2, residues 537-557): LEEECMFPKA[Thr547Met]DTSFKNKLYD